The following is an entry in ClinVar:

ClinVar aggregate classification (germline): Benign/Likely benign. Review status: criteria provided, multiple submitters, no conflicts (2 of 4 stars). 14 submissions from 14 submitters: Benign (7); Likely benign (7). Last evaluated 2026-05-01.

Conditions:
DICER1-related tumor predisposition. Also called: DICER1 syndrome; DICER1-related pleuropulmonary blastoma cancer predisposition syndrome. Identifiers: Orphanet 284343, MedGen C3839822, MONDO:0100216.
Hereditary cancer-predisposing syndrome. Also called: Neoplastic Syndromes, Hereditary; Hereditary Cancer Syndrome; Tumor predisposition; Hereditary neoplastic syndrome. Identifiers: Orphanet 140162, MedGen C0027672, MeSH D009386, MONDO:0015356.

Allele frequency attached by ClinVar (database versions not stated): ESP Exome Variant Server 0.00038; 1000 Genomes Project 0.00040; 1000 Genomes Project 30x 0.00047; TOPMed 0.00081; gnomAD exomes 0.00099; ExAC 0.00104.

Submissions (14):

CeGaT Center for Human Genetics Tuebingen
Classification: Likely benign. Last evaluated: 2026-05-01. Review status: criteria provided, single submitter. Criteria: CeGaT Center For Human Genetics Tuebingen Variant Classification Criteria Version 2. Collection method: clinical testing. Allele origin: germline. Affected: yes. Observed: 24 variant alleles.
Comment: DICER1: BP4, BP7, BS1

Myriad Genetics, Inc.
Classification: Benign for DICER1-related tumor predisposition. Last evaluated: 2026-04-17. Review status: criteria provided, single submitter. Criteria: Myriad Autosomal Dominant, Autosomal Recessive and X-Linked Classification Criteria (2023). Collection method: clinical testing. Allele origin: unknown.
Comment: This variant is considered benign. This variant is a silent/synonymous amino acid change and it is not expected to impact splicing.

Labcorp Genetics (formerly Invitae), Labcorp
Classification: Benign for DICER1-related tumor predisposition. Last evaluated: 2026-02-03. Review status: criteria provided, single submitter. Criteria: Invitae Variant Classification Sherloc (09022015). Collection method: clinical testing. Allele origin: germline.

Center for Genomic Medicine, Rigshospitalet, Copenhagen University Hospital
Classification: Likely benign. Last evaluated: 2025-03-04. Review status: criteria provided, single submitter. Criteria: ACMG Guidelines, 2015. Collection method: clinical testing. Allele origin: germline.

Laboratory of Genetics, Children's Clinical University Hospital Latvia
Classification: Benign. Last evaluated: 2025-02-16. Review status: criteria provided, single submitter. Criteria: ACMG Guidelines, 2015. Collection method: clinical testing. Allele origin: germline. Affected: yes.

Blueprint Genetics
Classification: Likely benign. Last evaluated: 2024-11-22. Review status: criteria provided, single submitter. Criteria: ACMG Guidelines, 2015. Collection method: clinical testing. Allele origin: germline.

Department of Pathology and Laboratory Medicine, Sinai Health System
Classification: Likely benign for DICER1-related tumor predisposition. Last evaluated: 2023-08-14. Review status: criteria provided, single submitter. Criteria: ACMG Guidelines, 2015. Collection method: clinical testing. Allele origin: germline. Affected: yes.

ARUP Laboratories, Molecular Genetics and Genomics, ARUP Laboratories
Classification: Benign. Last evaluated: 2022-03-23. Review status: criteria provided, single submitter. Criteria: ARUP Molecular Germline Variant Investigation Process 2021. Collection method: clinical testing. Allele origin: germline.

GeneDx
Classification: Likely benign. Last evaluated: 2021-10-27. Review status: criteria provided, single submitter. Criteria: GeneDx Variant Classification Process June 2021. Collection method: clinical testing. Allele origin: germline. Affected: yes.
Comment: This variant is associated with the following publications: (PMID: 21266384)

Sema4
Classification: Benign for Hereditary cancer-predisposing syndrome. Last evaluated: 2020-10-06. Review status: criteria provided, single submitter. Criteria: Sema4 Curation Guidelines. Collection method: curation. Allele origin: germline.

Foulkes Cancer Genetics LDI, Lady Davis Institute for Medical Research
Classification: Likely benign. Last evaluated: 2019-07-01. Review status: criteria provided, single submitter. Criteria: ACMG Guidelines, 2015. Collection method: curation. Allele origin: germline. Affected: yes. Observed: 1 variant allele.
Comment: ACMG criteria met: BS1, BP1

Illumina Laboratory Services, Illumina
Classification: Benign for Pleuropulmonary blastoma. Last evaluated: 2018-01-13. Review status: criteria provided, single submitter. Criteria: ICSL Variant Classification Criteria 13 December 2019. Collection method: clinical testing. Allele origin: germline.
Comment: This variant was observed in the ICSL laboratory as part of a predisposition screen in an ostensibly healthy population. It had not been previously curated by ICSL or reported in the Human Gene Mutation Database (HGMD: prior to June 1st, 2018), and was therefore a candidate for classification through an automated scoring system. Utilizing variant allele frequency, disease prevalence and penetrance estimates, and inheritance mode, an automated score was calculated to assess if this variant is too frequent to cause the disease. Based on the score and internal cut-off values, a variant classified as benign is not then subjected to further curation. The score for this variant resulted in a classification of benign for this disease.

Ambry Genetics
Classification: Likely benign for Hereditary cancer-predisposing syndrome. Last evaluated: 2017-03-29. Review status: criteria provided, single submitter. Criteria: Ambry Variant Classification Scheme 2023. Collection method: clinical testing. Allele origin: germline.

PreventionGenetics, part of Exact Sciences
Classification: Benign. Last evaluated: 2016-04-13. Review status: criteria provided, single submitter. Criteria: ACMG Guidelines, 2015. Collection method: clinical testing. Allele origin: germline.

Literature cited by the submitters: PubMed 28524158 (cited by Foulkes Cancer Genetics LDI, Lady Davis Institute for Medical Research).

NM_177438.3(DICER1):c.4014G>A (p.Ala1338=)

Gene: DICER1 (dicer 1, ribonuclease III; minus strand). Cytogenetic location: 14q32.13.
Variant type: single nucleotide variant.
Coding change: c.4014G>A on transcript NM_177438.3 (MANE Select); coding-DNA position 4014, G replaced by A.
Protein change: p.Ala1338=; no amino-acid change (alanine 1338 retained).
Molecular consequence: synonymous variant.
Genome position (GRCh38, 1-based): chr14:95,103,382, C>T on the plus strand (G>A on the coding strand, the complement: DICER1 is on the minus strand). VCF-style: chr14-95103382-C-T. GRCh37 (hg19) VCF-style: chr14-95569719-C-T.
Other names: c.4014G>A, p.Ala1338= (NM_001195573.1, NM_001271282.3, NM_001291628.2 and 1 more transcripts).
Identifiers: ClinVar variation 221087 (VCV000221087.76), dbSNP rs143454689, ClinGen allele CA348185.